The following is an entry in ClinVar:

NM_003823.4(TNFRSF6B):c.455C>T (p.Pro152Leu)

Genes: RTEL1-TNFRSF6B (RTEL1-TNFRSF6B readthrough (NMD candidate); plus strand), TNFRSF6B (TNF receptor superfamily member 6b; plus strand). Cytogenetic location: 20q13.33.
Variant type: single nucleotide variant.
Coding change: c.455C>T on transcript NM_003823.4 (MANE Select); coding-DNA position 455, C replaced by T.
Protein change: p.Pro152Leu; replaces proline 152 with leucine.
Molecular consequence: missense variant. On other transcripts: non-coding transcript variant (1).
Genome position (GRCh38, 1-based): chr20:63,697,358, C>T. VCF-style: chr20-63697358-C-T. GRCh37 (hg19) VCF-style: chr20-62328711-C-T.
Other names: short protein forms P152L.
Identifiers: ClinVar variation 2892419 (VCV002892419.3), dbSNP rs750495971, ClinGen allele CA9966471.

ClinVar aggregate classification (germline): Uncertain significance (1 of 4 stars; one submission).

Allele frequency attached by ClinVar (database versions not stated): gnomAD 0.00003; gnomAD exomes 0.00002; ExAC 0.00004.
gnomAD v4.1: 38 of 1,591,080 alleles (0.0024%); highest among the groups gnomAD compares: Middle Eastern, 0.033%; no homozygotes.

Submission:

Labcorp Genetics (formerly Invitae), Labcorp
Classification: Uncertain significance. Last evaluated: 2025-10-20. Review status: criteria provided, single submitter. Criteria: Invitae Variant Classification Sherloc (09022015). Collection method: clinical testing. Allele origin: germline.
Comment: This sequence change replaces proline, which is neutral and non-polar, with leucine, which is neutral and non-polar, at codon 152 of the TNFRSF6B protein (p.Pro152Leu). This variant is present in population databases (rs750495971, gnomAD 0.03%). This variant has not been reported in the literature in individuals affected with TNFRSF6B-related conditions. ClinVar contains an entry for this variant (Variation ID: 2892419). An algorithm developed to predict the effect of missense changes on protein structure and function outputs the following: PolyPhen-2: "Benign". The leucine amino acid residue is found in multiple mammalian species, which suggests that this missense change does not adversely affect protein function. In summary, the available evidence is currently insufficient to determine the role of this variant in disease. Therefore, it has been classified as a Variant of Uncertain Significance.